The following is an entry in ClinVar:

NM_130811.4(SNAP25):c.471C>A (p.Ile157=)

Gene: SNAP25 (synaptosome associated protein 25; plus strand). Cytogenetic location: 20p12.2.
Variant type: single nucleotide variant.
Coding change: c.471C>A on transcript NM_130811.4 (MANE Select); coding-DNA position 471, C replaced by A.
Protein change: p.Ile157=; no amino-acid change (isoleucine 157 retained).
Molecular consequence: synonymous variant.
Genome position (GRCh38, 1-based): chr20:10,299,331, C>A. VCF-style: chr20-10299331-C-A. GRCh37 (hg19) VCF-style: chr20-10279979-C-A.
Other names: p.Ile157=; c.471C>A, p.Ile157= (NM_001322903.2, NM_001322904.2, NM_001322905.2 and 7 more transcripts); c.471C>A (NM_003081.4).
Identifiers: ClinVar variation 1161925 (VCV001161925.11), dbSNP rs777212434, ClinGen allele CA9763386.

ClinVar aggregate classification (germline): Likely benign. Review status: criteria provided, multiple submitters, no conflicts (2 of 4 stars). 3 submissions from 3 submitters: Likely benign (3). Last evaluated 2026-03-03.

Conditions:
Congenital myasthenic syndrome 18. Also called: MYASTHENIC SYNDROME, CONGENITAL, 18, WITH INTELLECTUAL DISABILITY AND ATAXIA. Identifiers: Orphanet 590, MedGen C4225364, MONDO:0014590, OMIM 616330.

gnomAD v4.1: 18 of 1,613,870 alleles (0.0011%); highest among the groups gnomAD compares: Admixed American, 0.017%; no homozygotes.

Submissions (3):

Women's Health and Genetics/Laboratory Corporation of America, LabCorp
Classification: Likely benign. Last evaluated: 2026-03-03. Review status: criteria provided, single submitter. Criteria: LabCorp Variant Classification Summary - May 2015. Collection method: clinical testing. Allele origin: germline.

Mayo Clinic Laboratories, Mayo Clinic
Classification: Likely benign. Last evaluated: 2025-03-26. Review status: criteria provided, single submitter. Criteria: ACMG Guidelines, 2015. Collection method: clinical testing. Allele origin: germline. Observed: 1 variant allele.
Comment: BP4, BP7

Labcorp Genetics (formerly Invitae), Labcorp
Classification: Likely benign for Congenital myasthenic syndrome 18. Last evaluated: 2024-11-11. Review status: criteria provided, single submitter. Criteria: Invitae Variant Classification Sherloc (09022015). Collection method: clinical testing. Allele origin: germline.